The following is an entry in ClinVar:

ClinVar aggregate classification (germline): Likely benign (1 of 4 stars; one submission).

gnomAD v4.1: 151 of 1,613,260 alleles (0.0094%); highest among the groups gnomAD compares: Admixed American, 0.045%; no homozygotes.

Submission:

CeGaT Center for Human Genetics Tuebingen
Classification: Likely benign. Last evaluated: 2026-05-01. Review status: criteria provided, single submitter. Criteria: CeGaT Center For Human Genetics Tuebingen Variant Classification Criteria Version 2. Collection method: clinical testing. Allele origin: germline. Affected: yes. Observed: 1 variant allele.
Comment: NEUROG1: BP4, BP7

NM_006161.3(NEUROG1):c.447C>T (p.Arg149=)

Gene: NEUROG1 (neurogenin 1; minus strand). Cytogenetic location: 5q31.1.
Variant type: single nucleotide variant.
Coding change: c.447C>T on transcript NM_006161.3 (MANE Select); coding-DNA position 447, C replaced by T.
Protein change: p.Arg149=; no amino-acid change (arginine 149 retained).
Molecular consequence: synonymous variant.
Genome position (GRCh38, 1-based): chr5:135,535,244, G>A on the plus strand (C>T on the coding strand, the complement: NEUROG1 is on the minus strand). VCF-style: chr5-135535244-G-A. GRCh37 (hg19) VCF-style: chr5-134870934-G-A.
Identifiers: ClinVar variation 4872090 (VCV004872090.2).